The following is an entry in ClinVar:

ClinVar aggregate classification (germline): Uncertain significance. Review status: criteria provided, multiple submitters, no conflicts (2 of 4 stars). 2 submissions from 2 submitters: Uncertain significance (2). Last evaluated 2023-06-05.

Conditions:
Inborn genetic diseases. Identifiers: MedGen C0950123, MeSH D030342.
Seizures, benign familial infantile, 3 (BFIS3). Also called: CONVULSIONS, BENIGN FAMILIAL INFANTILE, 3; Familial neonatal seizures. Identifiers: Orphanet 140927, Orphanet 306, MedGen C1843140, MONDO:0011904, OMIM 607745.
Developmental and epileptic encephalopathy, 11 (DEE11). Also called: Early infantile epileptic encephalopathy 11. Identifiers: Orphanet 1934, MedGen C3150987, MONDO:0013388, OMIM 613721.

Allele frequency attached by ClinVar (database versions not stated): gnomAD exomes 0.00001 and 0.00002; gnomAD 0.00002; TOPMed 0.00003; ExAC 0.00004.
gnomAD v4.1: 10 of 1,612,734 alleles (0.00062%); highest among the groups gnomAD compares: South Asian, 0.0055%; no homozygotes.

Submissions (2):

Labcorp Genetics (formerly Invitae), Labcorp
Classification: Uncertain significance for Seizures, benign familial infantile, 3; Developmental and epileptic encephalopathy, 11. Last evaluated: 2023-06-05. Review status: criteria provided, single submitter. Criteria: Invitae Variant Classification Sherloc (09022015). Collection method: clinical testing. Allele origin: germline.
Comment: This variant is present in population databases (rs753821498, gnomAD 0.01%). This sequence change replaces asparagine, which is neutral and polar, with serine, which is neutral and polar, at codon 308 of the SCN2A protein (p.Asn308Ser). This variant has not been reported in the literature in individuals affected with SCN2A-related conditions. Advanced modeling of protein sequence and biophysical properties (such as structural, functional, and spatial information, amino acid conservation, physicochemical variation, residue mobility, and thermodynamic stability) has been performed at Invitae for this missense variant, however the output from this modeling did not meet the statistical confidence thresholds required to predict the impact of this variant on SCN2A protein function. In summary, the available evidence is currently insufficient to determine the role of this variant in disease. Therefore, it has been classified as a Variant of Uncertain Significance. ClinVar contains an entry for this variant (Variation ID: 589983).

Ambry Genetics
Classification: Uncertain significance for Inborn genetic diseases. Last evaluated: 2016-12-14. Review status: criteria provided, single submitter. Criteria: Ambry Variant Classification Scheme 2023. Collection method: clinical testing. Allele origin: germline.
Comment: The p.N308S variant (also known as c.923A>G), located in coding exon 6 of the SCN2A gene, results from an A to G substitution at nucleotide position 923. The asparagine at codon 308 is replaced by serine, an amino acid with highly similar properties. This amino acid position is highly conserved in available vertebrate species. In addition, the in silico prediction for this alteration is inconclusive. Since supporting evidence is limited at this time, the clinical significance of this alteration remains unclear.

NM_001040142.2(SCN2A):c.923A>G (p.Asn308Ser)

Gene: SCN2A (sodium voltage-gated channel alpha subunit 2; plus strand). Cytogenetic location: 2q24.3.
Variant type: single nucleotide variant.
Coding change: c.923A>G on transcript NM_001040142.2 (MANE Select); coding-DNA position 923, A replaced by G.
Protein change: p.Asn308Ser; replaces asparagine 308 with serine.
Molecular consequence: missense variant.
Genome position (GRCh38, 1-based): chr2:165,310,548, A>G. VCF-style: chr2-165310548-A-G. GRCh37 (hg19) VCF-style: chr2-166167058-A-G.
Other names: c.923A>G, p.Asn308Ser (NM_001040143.2, NM_001371246.1, NM_001371247.1 and 1 more transcripts); short protein forms N308S.
Identifiers: ClinVar variation 589983 (VCV000589983.10), dbSNP rs753821498, ClinGen allele CA1939714.